The following is an entry in ClinVar:

ClinVar aggregate classification (germline): Uncertain significance. Review status: criteria provided, multiple submitters, no conflicts (2 of 4 stars). 3 submissions from 3 submitters: Uncertain significance (3). Last evaluated 2026-01-24.

Conditions:
Paramyotonia congenita of Von Eulenburg. Also called: PARALYSIS PERIODICA PARAMYOTONICA; Paramyotonia Congenita; Eulenburg disease; Myotonia congenita intermittens; Von Eulenburg paramyotonia congenita. Identifiers: Orphanet 684, MedGen C0221055, MONDO:0008195, OMIM 168300. Disease mechanism: loss of function.
Hypokalemic periodic paralysis, type 1. Also called: HypoPP; Hypokalemic Periodic Paralysis Type 1 (AD). Identifiers: Orphanet 681, MedGen C3714580, MONDO:0042979, OMIM 170400.
Hypokalemic periodic paralysis, type 2 (HOKPP2). Identifiers: Orphanet 681, MedGen C2750061, MONDO:0013234, OMIM 613345.
Potassium-aggravated myotonia. Also called: MYOTONIA CONGENITA, ACETAZOLAMIDE-RESPONSIVE; MYOTONIA CONGENITA, ATYPICAL; SODIUM CHANNEL MUSCLE DISEASE; Myotonia congenita, atypical, acetazolamide-responsive. Identifiers: Orphanet 612, Orphanet 99734, Orphanet 99735, Orphanet 99736, MedGen C2931826, MONDO:0018959, OMIM 608390.
Congenital myasthenic syndrome 16. Identifiers: Orphanet 590, MedGen C3280112, MONDO:0013620, OMIM 614198.
Hyperkalemic periodic paralysis. Also called: Familial hyperkalemic periodic paralysis; Gamstorp disease. Identifiers: Orphanet 682, MedGen C0238357, MONDO:0008224, OMIM 170500, HP:0007215.

Allele frequency attached by ClinVar (database versions not stated): TOPMed 0.00001; ExAC 0.00001; gnomAD 0.00001.
gnomAD v4.1: 17 of 1,613,054 alleles (0.0011%); highest among the groups gnomAD compares: Non-Finnish European, 0.0014%; no homozygotes.

Submissions (3):

Labcorp Genetics (formerly Invitae), Labcorp
Classification: Uncertain significance for Hyperkalemic periodic paralysis. Last evaluated: 2026-01-24. Review status: criteria provided, single submitter. Criteria: Invitae Variant Classification Sherloc (09022015). Collection method: clinical testing. Allele origin: germline.
Comment: This sequence change replaces proline, which is neutral and non-polar, with leucine, which is neutral and non-polar, at codon 153 of the SCN4A protein (p.Pro153Leu). The frequency data for this variant in the population databases is considered unreliable, as metrics indicate poor data quality at this position in the gnomAD database. This variant has not been reported in the literature in individuals affected with SCN4A-related conditions. ClinVar contains an entry for this variant (Variation ID: 1473762). Invitae Evidence Modeling of protein sequence and biophysical properties (such as structural, functional, and spatial information, amino acid conservation, physicochemical variation, residue mobility, and thermodynamic stability) indicates that this missense variant is not expected to disrupt SCN4A protein function with a negative predictive value of 95%. In summary, the available evidence is currently insufficient to determine the role of this variant in disease. Therefore, it has been classified as a Variant of Uncertain Significance.

CeGaT Center for Human Genetics Tuebingen
Classification: Uncertain significance. Last evaluated: 2024-08-01. Review status: criteria provided, single submitter. Criteria: CeGaT Center For Human Genetics Tuebingen Variant Classification Criteria Version 2. Collection method: clinical testing. Allele origin: germline. Affected: yes. Observed: 2 variant alleles.
Comment: SCN4A: PM2

Fulgent Genetics
Classification: Uncertain significance for Paramyotonia congenita of Von Eulenburg; Hypokalemic periodic paralysis, type 1; Hyperkalemic periodic paralysis; Potassium-aggravated myotonia; Hypokalemic periodic paralysis, type 2; Congenital myasthenic syndrome 16. Last evaluated: 2021-12-17. Review status: criteria provided, single submitter. Criteria: ACMG Guidelines, 2015. Collection method: clinical testing. Allele origin: unknown.

NM_000334.4(SCN4A):c.458C>T (p.Pro153Leu)

Gene: SCN4A (sodium voltage-gated channel alpha subunit 4; minus strand). Cytogenetic location: 17q23.3.
Variant type: single nucleotide variant.
Coding change: c.458C>T on transcript NM_000334.4 (MANE Select); coding-DNA position 458, C replaced by T.
Protein change: p.Pro153Leu; replaces proline 153 with leucine.
Molecular consequence: missense variant.
Genome position (GRCh38, 1-based): chr17:63,972,160, G>A on the plus strand (C>T on the coding strand, the complement: SCN4A is on the minus strand). VCF-style: chr17-63972160-G-A. GRCh37 (hg19) VCF-style: chr17-62049520-G-A.
Other names: short protein forms P153L.
Identifiers: ClinVar variation 1473762 (VCV001473762.30), dbSNP rs781033413, ClinGen allele CA8710158.